The following is an entry in ClinVar:

ClinVar aggregate classification (germline): Likely benign (1 of 4 stars; one submission).

gnomAD v4.1: 11 of 1,613,898 alleles (0.00068%); highest among the groups gnomAD compares: Admixed American, 0.0033%; no homozygotes.

Submission:

CeGaT Center for Human Genetics Tuebingen
Classification: Likely benign. Last evaluated: 2026-09-01. Review status: criteria provided, single submitter. Criteria: CeGaT Center For Human Genetics Tuebingen Variant Classification Criteria Version 2. Collection method: clinical testing. Allele origin: germline. Affected: yes. Observed: 1 variant allele.
Comment: MED13L: BP4, BP7

NM_015335.5(MED13L):c.1872G>A (p.Ser624=)

Gene: MED13L (mediator complex subunit 13L; minus strand). Cytogenetic location: 12q24.21.
Variant type: single nucleotide variant.
Coding change: c.1872G>A on transcript NM_015335.5 (MANE Select); coding-DNA position 1872, G replaced by A.
Protein change: p.Ser624=; no amino-acid change (serine 624 retained).
Molecular consequence: synonymous variant.
Genome position (GRCh38, 1-based): chr12:116,008,541, C>T on the plus strand (G>A on the coding strand, the complement: MED13L is on the minus strand). VCF-style: chr12-116008541-C-T. GRCh37 (hg19) VCF-style: chr12-116446346-C-T.
Identifiers: ClinVar variation 5041258 (VCV005041258.1).